The following is an entry in ClinVar:

ClinVar aggregate classification (germline): Uncertain significance. Review status: criteria provided, single submitter (1 of 4 stars). 2 submissions from 1 submitter: Uncertain significance (2). Last evaluated 2022-09-01.

Conditions:
Pheochromocytoma. Also called: MAX-Related Hereditary Paraganglioma-Pheochromocytoma Syndrome. Identifiers: Orphanet 29072, MedGen C0031511, MONDO:0008233, OMIM 171300, HP:0002666.
Pheochromocytoma/paraganglioma syndrome 1. Also called: PARAGANGLIOMAS, FAMILIAL NONCHROMAFFIN, 1; PGL 1; Paragangliomas familial 1; Paragangliomas 1; PARAGANGLIOMATA; Paraganglioma - glomus jugulare. Identifiers: Orphanet 29072, MedGen C3494181, MONDO:0008192, OMIM 168000.
Carney-Stratakis syndrome. Also called: PARAGANGLIOMA AND GASTROINTESTINAL STROMAL TUMOR. Identifiers: Orphanet 97286, MedGen C1847319, MONDO:0011740, OMIM 606864.
Cowden syndrome 3 (CWS3). Identifiers: Orphanet 201, MedGen CN166604, MONDO:0014045.
Paragangliomas with sensorineural hearing loss. Identifiers: MedGen C1868633.

Submissions (2):

Labcorp Genetics (formerly Invitae), Labcorp
Classification: Uncertain significance for Carney-Stratakis syndrome; Paragangliomas with sensorineural hearing loss; Pheochromocytoma; Cowden syndrome 3. Last evaluated: 2022-09-01. Review status: criteria provided, single submitter. Criteria: Invitae Variant Classification Sherloc (09022015). Collection method: clinical testing. Allele origin: germline.
Comment: A copy number gain of the genomic region encompassing the full coding sequence of the SDHD gene has been identified. The boundaries of this event are unknown as they extend beyond the assayed region for this gene and therefore may encompass additional genes. As the precise location of this event is unknown, it may be in tandem or it may be located elsewhere in the genome. This variant has not been reported in the literature in individuals affected with SDHD-related conditions. In summary, the available evidence is currently insufficient to determine the role of this variant in disease. Therefore, it has been classified as a Variant of Uncertain Significance.

Labcorp Genetics (formerly Invitae), Labcorp
Classification: Uncertain significance for Paraganglioma and gastric stromal sarcoma; Paragangliomas 1; Pheochromocytoma; Cowden syndrome 3. Last evaluated: 2019-09-05. Review status: criteria provided, single submitter. Criteria: Invitae Variant Classification Sherloc (09022015). Collection method: clinical testing. Allele origin: germline.
Comment: This variant results in a copy number gain of the genomic region encompassing the full coding sequence of the SDHD gene. The boundaries of this event are unknown as they extend beyond the assayed region for this gene and therefore may encompass additional genes. As the precise location of this event is unknown, it may be in tandem or it may be located elsewhere in the genome. This variant has not been reported in the literature in individuals with SDHD-related conditions. In summary, the available evidence is currently insufficient to determine the role of this variant in disease. Therefore, it has been classified as a Variant of Uncertain Significance.

NC_000011.10:g.(?_112086823)_(112094970_?)dup

Gene: SDHD (succinate dehydrogenase complex subunit D; plus strand). Cytogenetic location: 11q23.1.
Variant type: Duplication.
Identifiers: ClinVar variation 832067 (VCV000832067.6).